The following is an entry in ClinVar:

ClinVar aggregate classification (germline): Uncertain significance (1 of 4 stars; one submission).

Conditions:
X-linked distal spinal muscular atrophy type 3. Also called: NEURONOPATHY, DISTAL HEREDITARY MOTOR, X-LINKED; NEUROPATHY, DISTAL HEREDITARY MOTOR, X-LINKED; ATP7A-Related Distal Motor Neuropathy; SPINAL MUSCULAR ATROPHY, DISTAL, X-LINKED RECESSIVE. Identifiers: Orphanet 139557, MedGen C1845359, MONDO:0010338, OMIM 300489.
Menkes kinky-hair syndrome (MNK). Also called: Classic Menkes Disease; Copper transport disease; Menkes Disease. Identifiers: Orphanet 565, MedGen C0022716, MONDO:0010651, OMIM 309400.
Cutis laxa, X-linked (OHS). Also called: EDS IX; Occipital horn syndrome. Identifiers: Orphanet 198, MedGen C0268353, MONDO:0010572, OMIM 304150.

Submission:

Labcorp Genetics (formerly Invitae), Labcorp
Classification: Uncertain significance for X-linked distal spinal muscular atrophy type 3; Cutis laxa, X-linked; Menkes kinky-hair syndrome. Last evaluated: 2020-01-23. Review status: criteria provided, single submitter. Criteria: Invitae Variant Classification Sherloc (09022015). Collection method: clinical testing. Allele origin: germline.
Comment: This variant results in a copy number gain of the genomic region encompassing exons 8-10 of the ATP7A gene. While the exact position of this variant cannot be determined from this data, sub-genic copy number gains are generally in tandem (PMID: 25640679). This variant would be expected to be in-frame, preserving the integrity of the reading frame. This variant has not been reported in the literature in individuals with ATP7A-related conditions. In summary, the available evidence is currently insufficient to determine the role of this variant in disease. Therefore, it has been classified as a Variant of Uncertain Significance.

Literature cited by the submitters: PubMed 25640679.

NC_000023.10:g.(?_77266663)_(77268619_?)dup

Gene: ATP7A (ATPase copper transporting alpha; plus strand). Cytogenetic location: Xq21.1.
Variant type: Duplication.
Identifiers: ClinVar variation 2422240 (VCV002422240.4).